The following is an entry in ClinVar:

NM_001330360.2(POLA1):c.4024C>T (p.Arg1342Cys)

Gene: POLA1 (DNA polymerase alpha 1, catalytic subunit; plus strand). Cytogenetic location: Xp22.11.
Variant type: single nucleotide variant.
Coding change: c.4024C>T on transcript NM_001330360.2 (MANE Select); coding-DNA position 4024, C replaced by T.
Protein change: p.Arg1342Cys; replaces arginine 1342 with cysteine.
Molecular consequence: missense variant. On other transcripts: non-coding transcript variant (2).
Genome position (GRCh38, 1-based): chrX:24,843,654, C>T. VCF-style: chrX-24843654-C-T. GRCh37 (hg19) VCF-style: chrX-24861771-C-T.
Other names: c.4006C>T (NM_016937.3); c.3949C>T, p.Arg1317Cys (NM_001378303.1); c.4006C>T, p.Arg1336Cys (NM_016937.4); short protein forms R1317C, R1336C, R1342C.
Identifiers: ClinVar variation 3622782 (VCV003622782.4).

ClinVar aggregate classification (germline): Uncertain significance. Review status: criteria provided, multiple submitters, no conflicts (2 of 4 stars). 2 submissions from 2 submitters: Uncertain significance (2). Last evaluated 2025-12-17.

gnomAD v4.1: 3 of 1,173,363 alleles (0.00026%); highest among the groups gnomAD compares: East Asian, 0.003%; no homozygotes.

Submissions (2):

GeneDx
Classification: Uncertain significance. Last evaluated: 2025-12-17. Review status: criteria provided, single submitter. Criteria: GeneDx Variant Classification Process June 2021. Collection method: clinical testing. Allele origin: germline.
Comment: Not observed at significant frequency in large population cohorts (gnomAD); In silico analysis supports that this missense variant has a deleterious effect on protein structure/function; Has not been previously published as pathogenic or benign to our knowledge

Labcorp Genetics (formerly Invitae), Labcorp
Classification: Uncertain significance. Last evaluated: 2024-05-23. Review status: criteria provided, single submitter. Criteria: Invitae Variant Classification Sherloc (09022015). Collection method: clinical testing. Allele origin: germline.
Comment: This sequence change replaces arginine, which is basic and polar, with cysteine, which is neutral and slightly polar, at codon 1336 of the POLA1 protein (p.Arg1336Cys). The frequency data for this variant in the population databases is considered unreliable, as metrics indicate poor data quality at this position in the gnomAD database. This variant has not been reported in the literature in individuals affected with POLA1-related conditions. Advanced modeling of protein sequence and biophysical properties (such as structural, functional, and spatial information, amino acid conservation, physicochemical variation, residue mobility, and thermodynamic stability) performed at Invitae indicates that this missense variant is expected to disrupt POLA1 protein function with a positive predictive value of 80%. In summary, the available evidence is currently insufficient to determine the role of this variant in disease. Therefore, it has been classified as a Variant of Uncertain Significance.